The following is an entry in ClinVar:

NM_024598.4(USB1):c.591C>A (p.Asn197Lys)

Gene: USB1 (U6 snRNA biogenesis phosphodiesterase 1; plus strand). Cytogenetic location: 16q21.
Variant type: single nucleotide variant.
Coding change: c.591C>A on transcript NM_024598.4 (MANE Select); coding-DNA position 591, C replaced by A.
Protein change: p.Asn197Lys; replaces asparagine 197 with lysine.
Molecular consequence: missense variant.
Genome position (GRCh38, 1-based): chr16:58,017,421, C>A. VCF-style: chr16-58017421-C-A. GRCh37 (hg19) VCF-style: chr16-58051325-C-A.
Other names: c.537C>A, p.Asn179Lys (NM_001195302.2); c.438C>A, p.Asn146Lys (NM_001330568.2); short protein forms N179K, N197K, N146K.
Identifiers: ClinVar variation 3978185 (VCV003978185.1).

ClinVar aggregate classification (germline): Uncertain significance (1 of 4 stars; one submission).

Conditions:
Inborn genetic diseases. Identifiers: MedGen C0950123, MeSH D030342.

Submission:

Ambry Genetics
Classification: Uncertain significance for Inborn genetic diseases. Last evaluated: 2025-06-13. Review status: criteria provided, single submitter. Criteria: Ambry Variant Classification Scheme 2023. Collection method: clinical testing. Allele origin: germline.
Comment: The p.N197K variant (also known as c.591C>A), located in coding exon 5 of the USB1 gene, results from a C to A substitution at nucleotide position 591. The asparagine at codon 197 is replaced by lysine, an amino acid with similar properties. This amino acid position is conserved. In addition, this alteration is predicted to be tolerated by in silico analysis. Based on the available evidence, the clinical significance of this variant remains unclear.